The following is an entry in ClinVar:

ClinVar aggregate classification (germline): Uncertain significance. Review status: criteria provided, multiple submitters, no conflicts (2 of 4 stars). 8 submissions from 8 submitters: Uncertain significance (8). Last evaluated 2026-06-01.

Conditions:
Hereditary nonpolyposis colorectal neoplasms. Identifiers: MedGen C0009405, MeSH D003123.
Hereditary cancer-predisposing syndrome. Also called: Tumor predisposition; Neoplastic Syndromes, Hereditary; Hereditary Cancer Syndrome; Hereditary neoplastic syndrome. Identifiers: Orphanet 140162, MedGen C0027672, MeSH D009386, MONDO:0015356.
Lynch syndrome. Identifiers: Orphanet 144, MedGen C4552100, MONDO:0005835. Disease mechanism: loss of function.

Allele frequency attached by ClinVar (database versions not stated): TOPMed below 0.00001.

Submissions (8):

CeGaT Center for Human Genetics Tuebingen
Classification: Uncertain significance. Last evaluated: 2026-06-01. Review status: criteria provided, single submitter. Criteria: CeGaT Center For Human Genetics Tuebingen Variant Classification Criteria Version 2. Collection method: clinical testing. Allele origin: germline. Affected: yes. Observed: 1 variant allele.
Comment: PMS2: PM2

Labcorp Genetics (formerly Invitae), Labcorp
Classification: Uncertain significance for Hereditary nonpolyposis colorectal neoplasms. Last evaluated: 2025-12-24. Review status: criteria provided, single submitter. Criteria: Invitae Variant Classification Sherloc (09022015). Collection method: clinical testing. Allele origin: germline.
Comment: This sequence change replaces isoleucine, which is neutral and non-polar, with methionine, which is neutral and non-polar, at codon 177 of the PMS2 protein (p.Ile177Met). This variant is not present in population databases (gnomAD no frequency). This variant has not been reported in the literature in individuals affected with PMS2-related conditions. ClinVar contains an entry for this variant (Variation ID: 216458). Invitae Evidence Modeling incorporating data from in vitro experimental studies (internal data) indicates that this missense variant is not expected to disrupt PMS2 function with a negative predictive value of 95%. In summary, the available evidence is currently insufficient to determine the role of this variant in disease. Therefore, it has been classified as a Variant of Uncertain Significance.

Ambry Genetics
Classification: Uncertain significance for Hereditary cancer-predisposing syndrome. Last evaluated: 2025-06-25. Review status: criteria provided, single submitter. Criteria: Ambry Variant Classification Scheme 2023. Collection method: clinical testing. Allele origin: germline.
Comment: The p.I177M variant (also known as c.531T>G), located in coding exon 5 of the PMS2 gene, results from a T to G substitution at nucleotide position 531. The isoleucine at codon 177 is replaced by methionine, an amino acid with highly similar properties. This amino acid position is highly conserved in available vertebrate species. In addition, the in silico prediction for this alteration is inconclusive. Based on the available evidence, the clinical significance of this variant remains unclear.

All of Us Research Program, National Institutes of Health
Classification: Uncertain significance for Lynch syndrome. Last evaluated: 2024-07-20. Review status: criteria provided, single submitter. Criteria: ACMG Guidelines, 2015. Collection method: clinical testing. Allele origin: germline. Inheritance: Autosomal dominant inheritance. Observed: 1 variant allele, 1 heterozygote.
Comment: This missense variant replaces isoleucine with methionine at codon 177 of the PMS2 protein. Computational prediction is inconclusive regarding the impact of this variant on protein structure and function (internally defined REVEL score threshold 0.5 < inconclusive < 0.7, PMID: 27666373). To our knowledge, functional studies have not been reported for this variant. This variant has not been reported in individuals affected with PMS2-related disorders in the literature. This variant has not been identified in the general population by the Genome Aggregation Database (gnomAD). The available evidence is insufficient to determine the role of this variant in disease conclusively. Therefore, this variant is classified as a Variant of Uncertain Significance.

This study involves interpretation of variants in research participants for the purpose of population health screening. Participant phenotype was not available at the time of variant classification. Additional details can be found in publication PMID: 35346344, PMCID: PMC8962531

Color Diagnostics, LLC DBA Color Health
Classification: Uncertain significance for Hereditary cancer-predisposing syndrome. Last evaluated: 2024-03-06. Review status: criteria provided, single submitter. Criteria: ACMG Guidelines, 2015. Collection method: clinical testing. Allele origin: germline.
Comment: This missense variant replaces isoleucine with methionine at codon 177 of the PMS2 protein. Computational prediction is inconclusive regarding the impact of this variant on protein structure and function (internally defined REVEL score threshold 0.5 < inconclusive < 0.7, PMID: 27666373). To our knowledge, functional studies have not been reported for this variant. This variant has not been reported in individuals affected with PMS2-related disorders in the literature. This variant has not been identified in the general population by the Genome Aggregation Database (gnomAD). The available evidence is insufficient to determine the role of this variant in disease conclusively. Therefore, this variant is classified as a Variant of Uncertain Significance.

Quest Diagnostics Nichols Institute San Juan Capistrano
Classification: Uncertain significance. Last evaluated: 2023-12-29. Review status: criteria provided, single submitter. Criteria: Quest Diagnostics criteria. Collection method: clinical testing. Allele origin: unknown.
Comment: The PMS2 c.531T>G (p.Ile177Met) variant has not been reported in individuals with PMS2-related conditions in the published literature. It also has not been reported in large, multi-ethnic general populations (Genome Aggregation Database). Analysis of this variant using bioinformatics tools for the prediction of the effect of amino acid changes on protein structure and function yielded conflicting predictions that this variant is benign or damaging. Based on the available information, we are unable to determine the clinical significance of this variant.

Genetic Services Laboratory, University of Chicago
Classification: Uncertain significance. Last evaluated: 2021-12-16. Review status: criteria provided, single submitter. Criteria: ACMG Guidelines, 2015. Collection method: clinical testing. Allele origin: germline. Affected: no.
Comment: DNA sequence analysis of the PMS2 gene demonstrated a sequence change, c.531T>G, in exon 5 that results in an amino acid change, p.Ile177Met. This sequence change does not appear to have been previously described in individuals with PMS2-related disorders and has also not been described in population databases such as ExAC and gnomAD. The p.Ile177Met change affects a moderately conserved amino acid residue located in a domain of the PMS2 protein that is known to be functional. In-silico pathogenicity prediction tools (SIFT, PolyPhen2, Align GVGD, REVEL) provide contradictory results for the p.Ile177Met substitution. Due to insufficient evidences and the lack of functional studies, the clinical significance of the p.Ile177Met change remains unknown at this time.

Sema4
Classification: Uncertain significance for Hereditary cancer-predisposing syndrome. Last evaluated: 2021-05-20. Review status: criteria provided, single submitter. Criteria: Sema4 Curation Guidelines. Collection method: curation. Allele origin: germline.
Comment: The PMS2 c.531T>G (p.I177M) variant has not been reported in individuals with PMS2-related disease to our knowledge. It was not observed in the large and broad cohorts of the Genome Aggregation Database (PMID: 32461654). The variant has been reported in ClinVar (Variation ID: 216458). In silico tools suggest the impact of the variant on protein function is inconclusive, though these predictions have not been confirmed by functional studies. The evidence is insufficient to meet ACMG/AMP criteria for classifying the variant as benign or pathogenic. Thus, the clinical significance of this variant is currently uncertain.

NM_000535.7(PMS2):c.531T>G (p.Ile177Met)

Gene: PMS2 (PMS1 homolog 2, mismatch repair system component; minus strand). Cytogenetic location: 7p22.1.
Variant type: single nucleotide variant.
Coding change: c.531T>G on transcript NM_000535.7 (MANE Select); coding-DNA position 531, T replaced by G.
Protein change: p.Ile177Met; replaces isoleucine 177 with methionine.
Molecular consequence: missense variant. On other transcripts: 5 prime UTR variant (2), non-coding transcript variant (1).
Genome position (GRCh38, 1-based): chr7:6,002,459, A>C on the plus strand (T>G on the coding strand, the complement: PMS2 is on the minus strand). VCF-style: chr7-6002459-A-C. GRCh37 (hg19) VCF-style: chr7-6042090-A-C.
Other names: c.126T>G, p.Ile42Met (NM_001322003.2, NM_001322004.2, NM_001322005.2 and 3 more transcripts); c.531T>G, p.Ile177Met (NM_001322006.2, NM_001322014.2); c.213T>G, p.Ile71Met (NM_001322007.2, NM_001322008.2); c.-354T>G (NM_001322011.2, NM_001322012.2); c.222T>G, p.Ile74Met (NM_001322015.2); short protein forms I177M, I42M, I71M, I74M.
Identifiers: ClinVar variation 216458 (VCV000216458.30), dbSNP rs863224679, ClinGen allele CA338004.